The following is an entry in ClinVar:

NM_006623.4(PHGDH):c.729_730insATGTGTATAAGAGACA (p.Ala244fs)

Gene: PHGDH (phosphoglycerate dehydrogenase; plus strand). Cytogenetic location: 1p12.
Variant type: Insertion.
Coding change: c.729_730insATGTGTATAAGAGACA on transcript NM_006623.4 (MANE Select); coding-DNA positions 729 to 730, ATGTGTATAAGAGACA inserted.
Protein change: p.Ala244fs; shifts the reading frame from alanine 244.
Molecular consequence: frameshift variant.
Genome position: GRCh38 VCF-style: chr1-119735380-C-CATGTGTATAAGAGACA. GRCh37 (hg19) VCF-style: chr1-120278003-C-CATGTGTATAAGAGACA.
Other names: short protein forms A244fs.
Identifiers: ClinVar variation 5011065 (VCV005011065.1).
Genomic context (GRCh38, chr1:119,735,380, plus strand): 5'-CCAGTGCAAGAAGGGGGTGCGTGTGGTGAACTGTGCCCGTGGAGGGATCGTGGACGAAGG[C>CATGTGTATAAGAGACA]GCCCTGCTCCGGGCCCTGCAGTCTGGCCAGTGTGCCGGGGCTGCACTGGACGTGTTTACG-3'

ClinVar aggregate classification (germline): Pathogenic (1 of 4 stars; one submission).

Conditions:
Neurometabolic disorder due to serine deficiency. Identifiers: Orphanet 35705, MedGen C5680148, MONDO:0018162.

Submission:

Myriad Genetics, Inc.
Classification: Pathogenic for Neurometabolic disorder due to serine deficiency. Last evaluated: 2024-05-14. Review status: criteria provided, single submitter. Criteria: Myriad Autosomal Dominant, Autosomal Recessive and X-Linked Classification Criteria (2023). Collection method: clinical testing. Allele origin: unknown.
Comment: NM_006623.3(PHGDH):c.729_730ins16(A244Mfs*38) is expected to be pathogenic in the context of serine deficiency disorder, PHGDH-related. This variant is predicted to lead to an abnormal or absent protein product due to the creation of a premature termination codon in PHGDH, a gene where loss-of-function variants are known to be pathogenic. Please note: this variant was assessed in the context of healthy population screening.